The following is an entry in ClinVar:

NM_001376.5(DYNC1H1):c.13314C>T (p.Cys4438=)

Gene: DYNC1H1 (dynein cytoplasmic 1 heavy chain 1; plus strand). Cytogenetic location: 14q32.31.
Variant type: single nucleotide variant.
Coding change: c.13314C>T on transcript NM_001376.5 (MANE Select); coding-DNA position 13314, C replaced by T.
Protein change: p.Cys4438=; no amino-acid change (cysteine 4438 retained).
Molecular consequence: synonymous variant.
Genome position (GRCh38, 1-based): chr14:102,048,611, C>T. VCF-style: chr14-102048611-C-T. GRCh37 (hg19) VCF-style: chr14-102514948-C-T.
Identifiers: ClinVar variation 511644 (VCV000511644.39), dbSNP rs750291750, ClinGen allele CA7354205.
Genomic context (GRCh38, chr14:102,048,611, plus strand): 5'-GATGGGCGCAAAGCTGCTTCAGGACGTTCGCCAGGACCTTGCAGATGTCGTCCAGGTGTG[C>T]GAAGGAAAGAAGAAGCAGACCAACTACTTGCGCACGCTGATCAACGAGCTAGTGAAAGGT-3'
Protein context (NP_001367.2, residues 4428-4448): RQDLADVVQV[Cys4438=]EGKKKQTNYL

ClinVar aggregate classification (germline): Benign/Likely benign. Review status: criteria provided, multiple submitters, no conflicts (2 of 4 stars). 6 submissions from 6 submitters: Benign (1); Likely benign (5). Last evaluated 2026-06-10.

Conditions:
Charcot-Marie-Tooth disease axonal type 2O. Also called: CHARCOT-MARIE-TOOTH NEUROPATHY, AXONAL, TYPE 2O; CHARCOT-MARIE-TOOTH DISEASE, AXONAL, AUTOSOMAL DOMINANT, TYPE 2O; Charcot-Marie-Tooth disease, axonal, type 20; Charcot-Marie-Tooth Neuropathy Type 2O. Identifiers: Orphanet 284232, MedGen C3280220, MONDO:0013644, OMIM 614228.
Inborn genetic diseases. Identifiers: MedGen C0950123, MeSH D030342.

Allele frequency attached by ClinVar (database versions not stated): gnomAD 0.00002 and 0.00003; TOPMed 0.00004; ExAC 0.00007.
gnomAD v4.1: 84 of 1,613,992 alleles (0.0052%); highest among the groups gnomAD compares: South Asian, 0.033%; no homozygotes.

Submissions (6):

Women's Health and Genetics/Laboratory Corporation of America, LabCorp
Classification: Benign. Last evaluated: 2026-06-10. Review status: criteria provided, single submitter. Criteria: LabCorp Variant Classification Summary - May 2015. Collection method: clinical testing. Allele origin: germline.

Labcorp Genetics (formerly Invitae), Labcorp
Classification: Likely benign for Charcot-Marie-Tooth disease axonal type 2O. Last evaluated: 2025-12-05. Review status: criteria provided, single submitter. Criteria: Invitae Variant Classification Sherloc (09022015). Collection method: clinical testing. Allele origin: germline.

Blueprint Genetics
Classification: Likely benign. Last evaluated: 2024-08-01. Review status: criteria provided, single submitter. Criteria: ACMG Guidelines, 2015. Collection method: clinical testing. Allele origin: germline.

CeGaT Center for Human Genetics Tuebingen
Classification: Likely benign. Last evaluated: 2022-07-01. Review status: criteria provided, single submitter. Criteria: CeGaT Center For Human Genetics Tuebingen Variant Classification Criteria Version 2. Collection method: clinical testing. Allele origin: germline. Affected: yes. Observed: 1 variant allele.
Comment: DYNC1H1: BP4, BP7

GeneDx
Classification: Likely benign. Last evaluated: 2017-08-21. Review status: criteria provided, single submitter. Criteria: GeneDx Variant Classification (06012015). Collection method: clinical testing. Allele origin: germline. Affected: yes.
Comment: This variant is considered likely benign or benign based on one or more of the following criteria: it is a conservative change, it occurs at a poorly conserved position in the protein, it is predicted to be benign by multiple in silico algorithms, and/or has population frequency not consistent with disease.

Ambry Genetics
Classification: Likely benign for Inborn genetic diseases. Last evaluated: 2016-08-24. Review status: criteria provided, single submitter. Criteria: Ambry Variant Classification Scheme 2023. Collection method: clinical testing. Allele origin: germline.